The following is an entry in ClinVar:

NM_025137.4(SPG11):c.3938A>T (p.Glu1313Val)

Gene: SPG11 (SPG11 vesicle trafficking associated, spatacsin; minus strand). Cytogenetic location: 15q21.1.
Variant type: single nucleotide variant.
Coding change: c.3938A>T on transcript NM_025137.4 (MANE Select); coding-DNA position 3938, A replaced by T.
Protein change: p.Glu1313Val; replaces glutamic acid 1313 with valine.
Molecular consequence: missense variant.
Genome position (GRCh38, 1-based): chr15:44,598,328, T>A on the plus strand (A>T on the coding strand, the complement: SPG11 is on the minus strand). VCF-style: chr15-44598328-T-A. GRCh37 (hg19) VCF-style: chr15-44890526-T-A.
Other names: c.3938A>T, p.Glu1313Val (NM_001160227.2); short protein forms E1313V.
Identifiers: ClinVar variation 569199 (VCV000569199.8), dbSNP rs1567150790, ClinGen allele CA392229799.

ClinVar aggregate classification (germline): Uncertain significance (1 of 4 stars; one submission).

Conditions:
Hereditary spastic paraplegia 11. Also called: Spastic paraplegia, mental retardation and thin corpus callosum; SPASTIC PARAPLEGIA, AUTOSOMAL RECESSIVE, COMPLICATED, WITH THIN CORPUS CALLOSUM; SPASTIC PARAPLEGIA, AUTOSOMAL RECESSIVE, WITH MENTAL IMPAIRMENT AND THIN CORPUS CALLOSUM; Nakamura Osame syndrome; Autosomal recessive hereditary spastic paraplegia, mental impairment, and thin corpus callosum; Spastic Paraplegia 11. Identifiers: Orphanet 2822, MedGen C1858479, MONDO:0011445, OMIM 604360.

Allele frequency attached by ClinVar (database versions not stated): gnomAD exomes below 0.00001.
gnomAD v4.1: 1 of 1,614,144 alleles (0.000062%); highest among the groups gnomAD compares: Non-Finnish European, 0.000085%; no homozygotes.

Submission:

Labcorp Genetics (formerly Invitae), Labcorp
Classification: Uncertain significance for Hereditary spastic paraplegia 11. Last evaluated: 2018-06-06. Review status: criteria provided, single submitter. Criteria: Invitae Variant Classification Sherloc (09022015). Collection method: clinical testing. Allele origin: germline.
Comment: This sequence change replaces glutamic acid with valine at codon 1313 of the SPG11 protein (p.Glu1313Val). The glutamic acid residue is highly conserved and there is a moderate physicochemical difference between glutamic acid and valine. This variant is not present in population databases (ExAC no frequency). This variant has not been reported in the literature in individuals with SPG11-related disease. Algorithms developed to predict the effect of missense changes on protein structure and function are either unavailable or do not agree on the potential impact of this missense change (SIFT: "Deleterious"; PolyPhen-2: "Probably Damaging"; Align-GVGD: "Class C0"). In summary, the available evidence is currently insufficient to determine the role of this variant in disease. Therefore, it has been classified as a Variant of Uncertain Significance.